The following is an entry in ClinVar:

NC_000023.10:g.(?_7137496)_(7272683_?)dup

Gene: STS (steroid sulfatase; plus strand). Cytogenetic location: Xp22.31.
Variant type: Duplication.
Identifiers: ClinVar variation 4887211 (VCV004887211.1).

ClinVar aggregate classification (germline): Uncertain significance (1 of 4 stars; one submission).

Submission:

Women's Health and Genetics/Laboratory Corporation of America, LabCorp
Classification: Uncertain significance. Last evaluated: 2026-06-16. Review status: criteria provided, single submitter. Criteria: LabCorp Variant Classification Summary - May 2015. Collection method: clinical testing. Allele origin: germline.
Comment: Variant summary: The variant involves the duplication of exons 1-10 in the STS gene. A presumed nomenclature of c.(?_-236)_(*4381_?)dup has been designated for the purposes of this classification. This duplication includes the entire coding sequence of the gene. As exact breakpoints are unknown, it may extend beyond the annotated region of the gene, to include other flanking genes. The variant was absent in 15814 control chromosomes. The available data on variant occurrences in the general population are insufficient to allow any conclusion about variant significance. To our knowledge, no occurrence of c.(?_-236)_(*4381_?)dup in individuals affected with STS-related conditions and no experimental evidence demonstrating its impact on protein function have been reported. ClinVar contains an entry for this variant (Variation ID: 2422954). Based on the evidence outlined above, the variant was classified as uncertain significance.